The following is an entry in ClinVar:

NM_001267550.2(TTN):c.95433C>T (p.Pro31811=)

Genes: TTN (titin; minus strand), TTN-AS1 (TTN antisense RNA 1; plus strand). Cytogenetic location: 2q31.2.
Variant type: single nucleotide variant.
Coding change: c.95433C>T on transcript NM_001267550.2 (MANE Select); coding-DNA position 95433, C replaced by T.
Protein change: p.Pro31811=; no amino-acid change (proline 31811 retained).
Molecular consequence: synonymous variant.
Genome position (GRCh38, 1-based): chr2:178,545,677, G>A on the plus strand (C>T on the coding strand, the complement: TTN is on the minus strand). VCF-style: chr2-178545677-G-A. GRCh37 (hg19) VCF-style: chr2-179410404-G-A.
Other names: c.90510C>T, p.Pro30170= (NM_001256850.1); c.68238C>T, p.Pro22746= (NM_003319.4); c.87729C>T, p.Pro29243= (NM_133378.4); c.68613C>T, p.Pro22871= (NM_133432.3); c.68814C>T, p.Pro22938= (NM_133437.4).
Identifiers: ClinVar variation 264171 (VCV000264171.17), dbSNP rs780805481, ClinGen allele CA1986951.
Genomic context (GRCh38, chr2:178,545,677, plus strand): 5'-AGGTTTTGTCCACTGAATGATGATATGCTCTTTGCCAGTCCCAACTTCTTCAGGTATGCC[G>A]GGTGGTGATGGAATAGCTGTTTATGAAAATAAGGATGATGAGAATTGCACAAAATTACTA-3'
Protein context (NP_001254479.2, residues 31801-31821): ARNSFTIPSP[Pro31811=]GIPEEVGTGK

ClinVar aggregate classification (germline): Likely benign. Review status: criteria provided, multiple submitters, no conflicts (2 of 4 stars). 4 submissions from 4 submitters: Likely benign (4). Last evaluated 2026-07-01.

Conditions:
Dilated cardiomyopathy 1G (CMD1G). Identifiers: Orphanet 154, MedGen C1858763, MONDO:0011400, OMIM 604145.
Autosomal recessive limb-girdle muscular dystrophy type 2J (LGMDR10). Also called: MUSCULAR DYSTROPHY, LIMB-GIRDLE, AUTOSOMAL RECESSIVE 10; Limb-girdle muscular dystrophy, type 2J. Identifiers: Orphanet 140922, MedGen C1837342, MONDO:0012127, OMIM 608807.
Cardiovascular phenotype. Identifiers: MedGen CN230736.

Allele frequency attached by ClinVar (database versions not stated): gnomAD exomes 0.00001; ExAC 0.00002.
gnomAD v4.1: 20 of 1,612,946 alleles (0.0012%); highest among the groups gnomAD compares: Non-Finnish European, 0.0015%; no homozygotes.

Submissions (4):

CeGaT Center for Human Genetics Tuebingen
Classification: Likely benign. Last evaluated: 2026-07-01. Review status: criteria provided, single submitter. Criteria: CeGaT Center For Human Genetics Tuebingen Variant Classification Criteria Version 2. Collection method: clinical testing. Allele origin: germline. Affected: yes. Observed: 1 variant allele.
Comment: TTN: BP4, BP7

Labcorp Genetics (formerly Invitae), Labcorp
Classification: Likely benign for Dilated cardiomyopathy 1G; Autosomal recessive limb-girdle muscular dystrophy type 2J. Last evaluated: 2025-10-06. Review status: criteria provided, single submitter. Criteria: Invitae Variant Classification Sherloc (09022015). Collection method: clinical testing. Allele origin: germline.

Blueprint Genetics
Classification: Likely benign. Last evaluated: 2024-05-06. Review status: criteria provided, single submitter. Criteria: ACMG Guidelines, 2015. Collection method: clinical testing. Allele origin: germline.

Ambry Genetics
Classification: Likely benign for Cardiovascular phenotype. Last evaluated: 2015-07-10. Review status: criteria provided, single submitter. Criteria: Ambry Variant Classification Scheme 2023. Collection method: clinical testing. Allele origin: germline.